The following is an entry in ClinVar:

NM_175914.5(HNF4A):c.792T>A (p.Tyr264Ter)

Gene: HNF4A (hepatocyte nuclear factor 4 alpha; plus strand). Cytogenetic location: 20q13.12.
Variant type: single nucleotide variant.
Coding change: c.792T>A on transcript NM_175914.5 (MANE Select); coding-DNA position 792, T replaced by A.
Protein change: p.Tyr264Ter; replaces tyrosine 264 with a stop codon.
Molecular consequence: nonsense.
Genome position (GRCh38, 1-based): chr20:44,419,842, T>A. VCF-style: chr20-44419842-T-A. GRCh37 (hg19) VCF-style: chr20-43048482-T-A.
Other names: c.858T>A, p.Tyr286Ter (NM_000457.6, NM_178849.3, NM_178850.3); c.792T>A, p.Tyr264Ter (NM_001030003.3, NM_001030004.3); c.837T>A, p.Tyr279Ter (NM_001258355.2); c.783T>A, p.Tyr261Ter (NM_001287182.2, NM_001287183.2, NM_001287184.2); short protein forms Y261*, Y264*, Y279*, Y286*.
Identifiers: ClinVar variation 4818860 (VCV004818860.1).

ClinVar aggregate classification (germline): Pathogenic (1 of 4 stars; one submission).

Conditions:
Maturity-onset diabetes of the young type 1. Also called: MILD JUVENILE DIABETES MELLITUS; MODY type 1; Diabetes mellitus MODY type 1; MODY HNF4A related; HNF4A-Related Maturity-Onset Diabetes of the Young Type 1; MODY, type I. Identifiers: Orphanet 552, MedGen C1852093, MONDO:0007452, OMIM 125850. Disease mechanism: loss of function.
Fanconi renotubular syndrome 4 with maturity-onset diabetes of the young (FRTS4). Also called: FRTS4 WITH MODY. Identifiers: Orphanet 93111, MedGen C4014962, MONDO:0014458, OMIM 616026.

Submission:

North Sichuan Medical College, Affiliated Hospital of North Sichuan Medical College
Classification: Pathogenic for Fanconi renotubular syndrome 4 with maturity-onset diabetes of the young; Maturity-onset diabetes of the young type 1. Review status: criteria provided, single submitter. Criteria: ACMG Guidelines, 2015. Collection method: provider interpretation. Allele origin: inherited. Inheritance: Autosomal dominant inheritance. Affected: yes. Observed: 1 variant allele, 1 heterozygote.
Comment: The HNF4A gene harbors a coding-region variant at nucleotide position 792, where T is replaced by A (c.792T>A), resulting in a nonsense change at the protein level (p.Y264X). According to the ACMG guidelines, the c.792T>A variant was classified as pathogenic based on PVS1 + PM2_Supporting + PP4, for the following reasons: PVS1: This is a nonsense variant and may lead to loss of gene function. PM2_Supporting: This variant was not observed in East Asian control populations in the gnomAD database. PP4: The phenotype of the affected individual is highly consistent with diabetes.